The following is an entry in ClinVar:

NM_001134407.3(GRIN2A):c.2449A>G (p.Met817Val)

Gene: GRIN2A (glutamate ionotropic receptor NMDA type subunit 2A; minus strand). Cytogenetic location: 16p13.2.
Variant type: single nucleotide variant.
Coding change: c.2449A>G on transcript NM_001134407.3 (MANE Select); coding-DNA position 2449, A replaced by G.
Protein change: p.Met817Val; replaces methionine 817 with valine.
Molecular consequence: missense variant.
Genome position (GRCh38, 1-based): chr16:9,768,997, T>C on the plus strand (A>G on the coding strand, the complement: GRIN2A is on the minus strand). VCF-style: chr16-9768997-T-C. GRCh37 (hg19) VCF-style: chr16-9862854-T-C.
Other names: p.M817V:ATG>GTG; c.2449A>G, p.Met817Val (NM_000833.5, NM_001134408.2); short protein forms M817V.
Identifiers: ClinVar variation 205659 (VCV000205659.4), dbSNP rs796052551, ClinGen allele CA314951.
Genomic context (GRCh38, chr16:9,768,997, plus strand): 5'-AGATGAAGGTGATGAGGCTAAGGGCCATGGCGGCAGCCAGCATGTAGAATACGCCCGCCA[T>C]GTTGTCAATGTCCAGCTGGCTGCTCATCACCTCGTTCTTCTCGTTGTGGCAGATCCCAGT-3'
Protein context (NP_001127879.1, residues 807-827): VMSSQLDIDN[Met817Val]AGVFYMLAAA

ClinVar aggregate classification (germline): Pathogenic/Likely pathogenic. Review status: criteria provided, multiple submitters, no conflicts (2 of 4 stars). 2 submissions from 2 submitters: Pathogenic (1); Likely pathogenic (1). Last evaluated 2023-07-04.

Conditions:
Landau-Kleffner syndrome (FESD). Also called: APHASIA, ACQUIRED, WITH EPILEPSY; EPILEPSY, FOCAL, WITH SPEECH DISORDER AND WITH OR WITHOUT MENTAL RETARDATION. Identifiers: Orphanet 1945, Orphanet 725, Orphanet 98818, MedGen C0282512, MONDO:0009509, OMIM 245570.

Submissions (2):

GeneDx
Classification: Pathogenic. Last evaluated: 2023-07-04. Review status: criteria provided, single submitter. Criteria: GeneDx Variant Classification Process June 2021. Collection method: clinical testing. Allele origin: germline. Affected: yes.
Comment: Published functional studies demonstrate a damaging effect of M817V, including enhanced agonist potency, prolonged synaptic-like response time course, reduced sensitivity to endogenous negative modulators, and increased channel mean open time and single-channel open probability (Chen et al., 2017); Not observed at significant frequency in large population cohorts (gnomAD); In silico analysis supports that this missense variant has a deleterious effect on protein structure/function; This variant is associated with the following publications: (PMID: 24903190, 25046240, 30544257, 34720871, 31366017, 30099049, 27839871, 35069111, 30217972, 28126851)

Institute of Human Genetics, University of Leipzig Medical Center
Classification: Likely pathogenic for Landau-Kleffner syndrome. Last evaluated: 2019-01-01. Review status: criteria provided, single submitter. Criteria: ACMG Guidelines, 2015. Collection method: research. Allele origin: de novo. Affected: yes.

Literature cited by the submitters: PubMed 30544257 (cited by Institute of Human Genetics, University of Leipzig Medical Center).